The following is an entry in ClinVar:

ClinVar aggregate classification (germline): Uncertain significance (0 of 4 stars; one submission).

Conditions:
TNC-related disorder. Also called: TNC-related condition.

gnomAD v4.1: 89 of 1,614,080 alleles (0.0055%); highest among the groups gnomAD compares: African/African-American, 0.06%; no homozygotes.

Submission:

PreventionGenetics, part of Exact Sciences
Classification: Uncertain significance for TNC-related condition. Last evaluated: 2024-08-01. Review status: no assertion criteria provided. Collection method: clinical testing. Allele origin: germline.
Comment: The TNC c.343G>A variant is predicted to result in the amino acid substitution p.Ala115Thr. To our knowledge, this variant has not been reported in the literature. This variant is reported in 0.048% of alleles in individuals of African descent in gnomAD. Although we suspect that this variant may be benign, at this time, the clinical significance of this variant is uncertain due to the absence of conclusive functional and genetic evidence.

NM_002160.4(TNC):c.343G>A (p.Ala115Thr)

Gene: TNC (tenascin C; minus strand). Cytogenetic location: 9q33.1.
Variant type: single nucleotide variant.
Coding change: c.343G>A on transcript NM_002160.4 (MANE Select); coding-DNA position 343, G replaced by A.
Protein change: p.Ala115Thr; replaces alanine 115 with threonine.
Molecular consequence: missense variant.
Genome position (GRCh38, 1-based): chr9:115,090,676, C>T on the plus strand (G>A on the coding strand, the complement: TNC is on the minus strand). VCF-style: chr9-115090676-C-T. GRCh37 (hg19) VCF-style: chr9-117852955-C-T.
Other names: c.343G>A, p.Ala115Thr (NM_001410991.1); short protein forms A115T.
Identifiers: ClinVar variation 3352881 (VCV003352881.1).